The following is an entry in ClinVar:

NM_018699.4(PRDM5):c.164G>C (p.Arg55Thr)

Gene: PRDM5 (PR/SET domain 5; minus strand). Cytogenetic location: 4q27.
Variant type: single nucleotide variant.
Coding change: c.164G>C on transcript NM_018699.4 (MANE Select); coding-DNA position 164, G replaced by C.
Protein change: p.Arg55Thr; replaces arginine 55 with threonine.
Molecular consequence: missense variant.
Genome position (GRCh38, 1-based): chr4:120,907,487, C>G on the plus strand (G>C on the coding strand, the complement: PRDM5 is on the minus strand). VCF-style: chr4-120907487-C-G. GRCh37 (hg19) VCF-style: chr4-121828642-C-G.
Other names: c.164G>C, p.Arg55Thr (NM_001300823.2, NM_001300824.2, NM_001379104.1 and 1 more transcripts); short protein forms R55T.
Identifiers: ClinVar variation 1777231 (VCV001777231.6), dbSNP rs147410661, ClinGen allele CA3061489.

ClinVar aggregate classification (germline): Uncertain significance. Review status: criteria provided, multiple submitters, no conflicts (2 of 4 stars). 2 submissions from 2 submitters: Uncertain significance (2). Last evaluated 2025-10-26.

Conditions:
Cardiovascular phenotype. Identifiers: MedGen CN230736.

Allele frequency attached by ClinVar (database versions not stated): ExAC 0.00001; gnomAD 0.00004; ESP Exome Variant Server 0.00008.
gnomAD v4.1: 89 of 1,608,922 alleles (0.0055%); highest among the groups gnomAD compares: Non-Finnish European, 0.0074%; no homozygotes.

Submissions (2):

Ambry Genetics
Classification: Uncertain significance for Cardiovascular phenotype. Last evaluated: 2025-10-26. Review status: criteria provided, single submitter. Criteria: Ambry Variant Classification Scheme 2023. Collection method: clinical testing. Allele origin: germline.
Comment: The p.R55T variant (also known as c.164G>C), located in coding exon 2 of the PRDM5 gene, results from a G to C substitution at nucleotide position 164. The arginine at codon 55 is replaced by threonine, an amino acid with similar properties. This amino acid position is highly conserved in available vertebrate species. In addition, this alteration is predicted to be deleterious by in silico analysis. Since supporting evidence is limited at this time, the clinical significance of this alteration remains unclear.

Labcorp Genetics (formerly Invitae), Labcorp
Classification: Uncertain significance. Last evaluated: 2024-07-10. Review status: criteria provided, single submitter. Criteria: Invitae Variant Classification Sherloc (09022015). Collection method: clinical testing. Allele origin: germline.
Comment: This sequence change replaces arginine, which is basic and polar, with threonine, which is neutral and polar, at codon 55 of the PRDM5 protein (p.Arg55Thr). This variant is present in population databases (rs147410661, gnomAD 0.007%). This variant has not been reported in the literature in individuals affected with PRDM5-related conditions. ClinVar contains an entry for this variant (Variation ID: 1777231). An algorithm developed to predict the effect of missense changes on protein structure and function (PolyPhen-2) suggests that this variant¬†is likely to be tolerated. In summary, the available evidence is currently insufficient to determine the role of this variant in disease. Therefore, it has been classified as a Variant of Uncertain Significance.